The following is an entry in ClinVar:

ClinVar aggregate classification (germline): Likely benign. Review status: criteria provided, single submitter (1 of 4 stars). 2 submissions from 2 submitters: Likely benign (1). 1 of the submissions does not count toward it. Last evaluated 2023-08-27.

Conditions:
Intellectual developmental disorder, X-linked 19. Also called: Intellectual disability, X-linked 19. Identifiers: Orphanet 777, MedGen C0796225, MONDO:0010447, OMIM 300844.
Coffin-Lowry syndrome (CLS). Also called: COFFIN-LOWRY SYNDROME, MILD; Mental retardation with osteocartilaginous abnormalities. Identifiers: Orphanet 192, MedGen C0265252, MONDO:0010561, OMIM 303600.
RPS6KA3-related disorder. Also called: RPS6KA3-related condition.

Submissions (2):

Labcorp Genetics (formerly Invitae), Labcorp
Classification: Likely benign for Coffin-Lowry syndrome; Intellectual developmental disorder, X-linked 19. Last evaluated: 2023-08-27. Review status: criteria provided, single submitter. Criteria: Invitae Variant Classification Sherloc (09022015). Collection method: clinical testing. Allele origin: germline.

PreventionGenetics, part of Exact Sciences
Classification: Likely benign for RPS6KA3-related condition. Last evaluated: 2024-05-24. Review status: no assertion criteria provided. Collection method: clinical testing. Allele origin: germline. Not counted in ClinVar's aggregate classification.
Comment: This variant is classified as likely benign based on ACMG/AMP sequence variant interpretation guidelines (Richards et al. 2015 PMID: 25741868, with internal and published modifications).

NM_004586.3(RPS6KA3):c.1000-8C>T

Gene: RPS6KA3 (ribosomal protein S6 kinase A3; minus strand). Cytogenetic location: Xp22.12.
Variant type: single nucleotide variant.
Coding change: c.1000-8C>T on transcript NM_004586.3 (MANE Select); 8 bases into the intron before coding-DNA position 1000, C replaced by T.
Molecular consequence: intron variant.
Genome position (GRCh38, 1-based): chrX:20,176,360, G>A on the plus strand (C>T on the coding strand, the complement: RPS6KA3 is on the minus strand). VCF-style: chrX-20176360-G-A. GRCh37 (hg19) VCF-style: chrX-20194478-G-A.
Other names: c.1000-8C>T (NM_004586.2).
Identifiers: ClinVar variation 2934693 (VCV002934693.4), dbSNP rs760167227, ClinGen allele CA10366180.
Genomic context (GRCh38, chrX:20,176,360, plus strand): 5'-GGCCTGCCCGTTGCAGGTTTAAATGGCGGATGAATTTCTCTTCTATACAGTTTCTGGAGG[G>A]GAAAAAAAAAAGAGACTTAGACATATTTTAATTATAAAGAAATATTTCAAGCAAGTTTTC-3'